The following is an entry in ClinVar:

ClinVar aggregate classification (germline): Pathogenic/Likely pathogenic. Review status: criteria provided, multiple submitters, no conflicts (2 of 4 stars). 2 submissions from 2 submitters: Pathogenic (1); Likely pathogenic (1). Last evaluated 2024-06-13.

Conditions:
Autosomal systemic lupus erythematosus type 16. Also called: Systemic lupus erythematosus 16. Identifiers: Orphanet 300345, MedGen C3280742, MONDO:0013743, OMIM 614420.

Submissions (2):

Fulgent Genetics
Classification: Likely pathogenic for Autosomal systemic lupus erythematosus type 16. Last evaluated: 2024-06-13. Review status: criteria provided, single submitter. Criteria: ACMG Guidelines, 2015. Collection method: clinical testing. Allele origin: germline.

Labcorp Genetics (formerly Invitae), Labcorp
Classification: Pathogenic. Last evaluated: 2018-07-27. Review status: criteria provided, single submitter. Criteria: Invitae Variant Classification Sherloc (09022015). Collection method: clinical testing. Allele origin: germline.
Comment: This sequence change creates a premature translational stop signal (p.Asp148Argfs*16) in the DNASE1L3 gene. It is expected to result in an absent or disrupted protein product. This variant is not present in population databases (ExAC no frequency). This variant has not been reported in the literature in individuals with DNASE1L3-related disease. Loss-of-function variants in DNASE1L3 are known to be pathogenic (PMID: 24206041, 27821515). For these reasons, this variant has been classified as Pathogenic.

Literature cited by the submitters: PubMed 24206041 (cited by Labcorp Genetics (formerly Invitae), Labcorp); PubMed 27821515 (cited by Labcorp Genetics (formerly Invitae), Labcorp).

NM_004944.4(DNASE1L3):c.441dup (p.Asp148fs)

Gene: DNASE1L3 (deoxyribonuclease 1L3; minus strand). Cytogenetic location: 3p14.3.
Variant type: Duplication.
Coding change: c.441dup on transcript NM_004944.4 (MANE Select); coding-DNA position 441, one base duplicated (A; older notation c.441dupA).
Protein change: p.Asp148fs; shifts the reading frame from aspartic acid 148.
Molecular consequence: frameshift variant.
Genome position (GRCh38, 1-based): chr3:58,201,102, T duplicated on the plus strand (A on the coding strand, the reverse complement: DNASE1L3 is on the minus strand); the first of 3 consecutive T bases (chr3:58,201,102-58,201,104); duplicating any one gives the same sequence. VCF-style (leftmost placement, unchanged base first): chr3-58201101-C-CT. GRCh37 (hg19) VCF-style: chr3-58186828-C-CT.
Other names: c.351dup, p.Asp118fs (NM_001256560.2); c.441dupA (NM_004944.3); short protein forms D148fs, D118fs.
Identifiers: ClinVar variation 641317 (VCV000641317.6), dbSNP rs1575497576, ClinGen allele CA915942529.
Genomic context (GRCh38, chr3:58,201,101, plus strand): 5'-ACTCATCGATCTCCTTAACGGATGTCTCTGGGGTGGTGTGCAGGGGGATAATCACGAAGT[C>CT]TTTGACAGCTGAGAAACAGGAAAGAGGCGGGGGTCACACACTTCCCCTGTCAAGGTCTCA-3'